The following is an entry in ClinVar:

NM_004484.4(GPC3):c.648G>C (p.Met216Ile)

Gene: GPC3 (glypican 3; minus strand). Cytogenetic location: Xq26.2.
Variant type: single nucleotide variant.
Coding change: c.648G>C on transcript NM_004484.4 (MANE Select); coding-DNA position 648, G replaced by C.
Protein change: p.Met216Ile; replaces methionine 216 with isoleucine.
Molecular consequence: missense variant.
Genome position (GRCh38, 1-based): chrX:133,753,866, C>G on the plus strand (G>C on the coding strand, the complement: GPC3 is on the minus strand). VCF-style: chrX-133753866-C-G. GRCh37 (hg19) VCF-style: chrX-132887893-C-G.
Other names: c.648G>C, p.Met216Ile (NM_001164617.2); c.600G>C, p.Met200Ile (NM_001164618.2); c.486G>C, p.Met162Ile (NM_001164619.2); short protein forms M216I, M200I, M162I.
Identifiers: ClinVar variation 239944 (VCV000239944.22), dbSNP rs752516966, ClinGen allele CA10520813.

ClinVar aggregate classification (germline): Benign/Likely benign. Review status: criteria provided, multiple submitters, no conflicts (2 of 4 stars). 5 submissions from 5 submitters: Benign (1); Likely benign (4). Last evaluated 2026-02-01.

Conditions:
Inborn genetic diseases. Identifiers: MedGen C0950123, MeSH D030342.
Wilms tumor 1 (WT1). Also called: Wilms tumor, somatic. Identifiers: Orphanet 654, MedGen CN033288, MONDO:0008679, OMIM 194070.
Simpson-Golabi-Behmel syndrome type 1 (SGBS1). Also called: DYSPLASIA GIGANTISM SYNDROME, X-LINKED; GOLABI-ROSEN SYNDROME; GPC3-Related Simpson-Golabi-Behmel Syndrome Type 1; SIMPSON DYSMORPHIA SYNDROME; BULLDOG SYNDROME. Identifiers: Orphanet 373, MedGen C0796154, MONDO:0020602, OMIM 312870.

Allele frequency attached by ClinVar (database versions not stated): gnomAD 0.00004 and 0.00005; ExAC 0.00006; TOPMed 0.00008.
gnomAD v4.1: 89 of 1,209,855 alleles (0.0074%); highest among the groups gnomAD compares: Admixed American, 0.015%; no homozygotes.

Submissions (5):

CeGaT Center for Human Genetics Tuebingen
Classification: Likely benign. Last evaluated: 2026-02-01. Review status: criteria provided, single submitter. Criteria: CeGaT Center For Human Genetics Tuebingen Variant Classification Criteria Version 2. Collection method: clinical testing. Allele origin: germline. Affected: yes. Observed: 1 variant allele.
Comment: GPC3: BS2

Labcorp Genetics (formerly Invitae), Labcorp
Classification: Benign for Wilms tumor 1. Last evaluated: 2025-11-10. Review status: criteria provided, single submitter. Criteria: Invitae Variant Classification Sherloc (09022015). Collection method: clinical testing. Allele origin: germline.

Fulgent Genetics
Classification: Likely benign for Wilms tumor 1; Simpson-Golabi-Behmel syndrome type 1. Last evaluated: 2022-03-04. Review status: criteria provided, single submitter. Criteria: ACMG Guidelines, 2015. Collection method: clinical testing. Allele origin: unknown.

GeneDx
Classification: Likely benign. Last evaluated: 2020-07-17. Review status: criteria provided, single submitter. Criteria: GeneDx Variant Classification Process June 2021. Collection method: clinical testing. Allele origin: germline. Affected: yes.

Ambry Genetics
Classification: Likely benign for Inborn genetic diseases. Last evaluated: 2019-08-27. Review status: criteria provided, single submitter. Criteria: Ambry Variant Classification Scheme 2023. Collection method: clinical testing. Allele origin: germline.